The following is an entry in ClinVar:

ClinVar aggregate classification (germline): Uncertain significance (1 of 4 stars; one submission).

Conditions:
DiGeorge syndrome. Also called: Catch22; THIRD AND FOURTH PHARYNGEAL POUCH SYNDROME. Identifiers: Orphanet 567, MedGen C0012236, MONDO:0008564, OMIM 188400.

Submission:

Labcorp Genetics (formerly Invitae), Labcorp
Classification: Uncertain significance for DiGeorge syndrome. Last evaluated: 2026-01-25. Review status: criteria provided, single submitter. Criteria: Invitae Variant Classification Sherloc (09022015). Collection method: clinical testing. Allele origin: germline.
Comment: This variant, c.1239_1240delinsAT, is a complex sequence change that results in the deletion of 2 and insertion of 2 amino acid(s) in the TBX1 protein (p.His413_His414delinsGlnTyr). Information on the frequency of this variant in the gnomAD database is not available, as this variant may be reported differently in the database. This variant has not been reported in the literature in individuals affected with TBX1-related conditions. ClinVar contains an entry for this variant (Variation ID: 2078231). Experimental studies and prediction algorithms are not available or were not evaluated, and the functional significance of this variant is currently unknown. In summary, the available evidence is currently insufficient to determine the role of this variant in disease. Therefore, it has been classified as a Variant of Uncertain Significance.

NM_001379200.1(TBX1):c.1266_1267delinsAT (p.His422_His423delinsGlnTyr)

Gene: TBX1 (T-box transcription factor 1; plus strand). Cytogenetic location: 22q11.21.
Variant type: Indel.
Coding change: c.1266_1267delinsAT on transcript NM_001379200.1 (MANE Select); coding-DNA positions 1266 to 1267, CC replaced by AT.
Protein change: p.His422_His423delinsGlnTyr.
Molecular consequence: missense variant. On other transcripts: intron variant (2).
Genome position (GRCh38, 1-based): chr22:19,766,618-19,766,619, CC replaced by AT. VCF-style: chr22-19766618-CC-AT. GRCh37 (hg19) VCF-style: chr22-19754141-CC-AT.
Other names: c.1239_1240delinsAT, p.His413_His414delinsGlnTyr (NM_080647.1); c.1009+616_1009+617delinsAT (NM_005992.1, NM_080646.2).
Identifiers: ClinVar variation 2078231 (VCV002078231.4), dbSNP rs2517858580, ClinGen allele CA2580099095.